The following is an entry in ClinVar:

NM_004304.5(ALK):c.1124T>C (p.Ile375Thr)

Gene: ALK (ALK receptor tyrosine kinase; minus strand). Cytogenetic location: 2p23.2.
Variant type: single nucleotide variant.
Coding change: c.1124T>C on transcript NM_004304.5 (MANE Select); coding-DNA position 1124, T replaced by C.
Protein change: p.Ile375Thr; replaces isoleucine 375 with threonine.
Molecular consequence: missense variant.
Genome position (GRCh38, 1-based): chr2:29,531,945, A>G on the plus strand (T>C on the coding strand, the complement: ALK is on the minus strand). VCF-style: chr2-29531945-A-G. GRCh37 (hg19) VCF-style: chr2-29754811-A-G.
Other names: short protein forms I375T.
Identifiers: ClinVar variation 580984 (VCV000580984.8), dbSNP rs929806482, ClinGen allele CA346587223.

ClinVar aggregate classification (germline): Uncertain significance (1 of 4 stars; one submission).

Conditions:
Neuroblastoma, susceptibility to, 3. Also called: ALK-Related Neuroblastic Tumor Susceptibility. Identifiers: Orphanet 635, MedGen C2751681, MONDO:0013083, OMIM 613014.

Submission:

Labcorp Genetics (formerly Invitae), Labcorp
Classification: Uncertain significance for Neuroblastoma, susceptibility to, 3. Last evaluated: 2018-01-06. Review status: criteria provided, single submitter. Criteria: Invitae Variant Classification Sherloc (09022015). Collection method: clinical testing. Allele origin: germline.
Comment: Algorithms developed to predict the effect of missense changes on protein structure and function do not agree on the potential impact of this missense change (SIFT: "Deleterious"; PolyPhen-2: "Possibly Damaging"; Align-GVGD: "Class C0"). In summary, the available evidence is currently insufficient to determine the role of this variant in disease. Therefore, it has been classified as a Variant of Uncertain Significance. This variant has not been reported in the literature in individuals with ALK-related disease. This variant is not present in population databases (ExAC no frequency). This sequence change replaces isoleucine with threonine at codon 375 of the ALK protein (p.Ile375Thr). The isoleucine residue is moderately conserved and there is a moderate physicochemical difference between isoleucine and threonine.